The following is an entry in ClinVar:

ClinVar aggregate classification (germline): Uncertain significance. Review status: criteria provided, multiple submitters, no conflicts (2 of 4 stars). 2 submissions from 2 submitters: Uncertain significance (2). Last evaluated 2025-06-14.

Conditions:
Familial cancer of breast. Also called: BREAST CANCER, FAMILIAL; hereditary breast carcinoma; Hereditary breast cancer. Identifiers: Orphanet 227535, MedGen C0346153, MONDO:0016419, OMIM 114480. Disease mechanism: loss of function.
Fanconi anemia complementation group J. Also called: BRIP1-Related Fanconi Anemia. Identifiers: Orphanet 84, MedGen C1836860, MONDO:0012187, OMIM 609054.
Hereditary cancer-predisposing syndrome. Also called: Neoplastic Syndromes, Hereditary; Tumor predisposition; Hereditary neoplastic syndrome; Hereditary Cancer Syndrome. Identifiers: Orphanet 140162, MedGen C0027672, MeSH D009386, MONDO:0015356.

Submissions (2):

Labcorp Genetics (formerly Invitae), Labcorp
Classification: Uncertain significance for Familial cancer of breast; Fanconi anemia complementation group J. Last evaluated: 2025-06-14. Review status: criteria provided, single submitter. Criteria: Invitae Variant Classification Sherloc (09022015). Collection method: clinical testing. Allele origin: germline.
Comment: This sequence change replaces aspartic acid, which is acidic and polar, with valine, which is neutral and non-polar, at codon 1180 of the BRIP1 protein (p.Asp1180Val). This variant is not present in population databases (gnomAD no frequency). This variant has not been reported in the literature in individuals affected with BRIP1-related conditions. ClinVar contains an entry for this variant (Variation ID: 3825679). Invitae Evidence Modeling of protein sequence and biophysical properties (such as structural, functional, and spatial information, amino acid conservation, physicochemical variation, residue mobility, and thermodynamic stability) indicates that this missense variant is not expected to disrupt BRIP1 protein function with a negative predictive value of 95%. In summary, the available evidence is currently insufficient to determine the role of this variant in disease. Therefore, it has been classified as a Variant of Uncertain Significance.

Ambry Genetics
Classification: Uncertain significance for Hereditary cancer-predisposing syndrome. Last evaluated: 2025-01-23. Review status: criteria provided, single submitter. Criteria: Ambry Variant Classification Scheme 2023. Collection method: clinical testing. Allele origin: germline.
Comment: The p.D1180V variant (also known as c.3539A>T), located in coding exon 19 of the BRIP1 gene, results from an A to T substitution at nucleotide position 3539. The aspartic acid at codon 1180 is replaced by valine, an amino acid with highly dissimilar properties. This amino acid position is conserved. In addition, this alteration is predicted to be tolerated by in silico analysis. Based on the available evidence, the clinical significance of this variant remains unclear.

NM_032043.3(BRIP1):c.3539A>T (p.Asp1180Val)

Gene: BRIP1 (BRCA1 interacting DNA helicase 1; minus strand). Cytogenetic location: 17q23.2.
Variant type: single nucleotide variant.
Coding change: c.3539A>T on transcript NM_032043.3 (MANE Select); coding-DNA position 3539, A replaced by T.
Protein change: p.Asp1180Val; replaces aspartic acid 1180 with valine.
Molecular consequence: missense variant.
Genome position (GRCh38, 1-based): chr17:61,683,507, T>A on the plus strand (A>T on the coding strand, the complement: BRIP1 is on the minus strand). VCF-style: chr17-61683507-T-A. GRCh37 (hg19) VCF-style: chr17-59760868-T-A.
Other names: short protein forms D1180V.
Identifiers: ClinVar variation 3825679 (VCV003825679.2).